The following is an entry in ClinVar:

ClinVar aggregate classification (germline): Uncertain significance (1 of 4 stars; one submission).

Conditions:
Fibrous dysplasia of jaw (CRBM). Also called: Cherubism. Identifiers: Orphanet 184, MedGen C0008029, MONDO:0007315, OMIM 118400.

Submission:

Labcorp Genetics (formerly Invitae), Labcorp
Classification: Uncertain significance for Fibrous dysplasia of jaw. Last evaluated: 2024-11-06. Review status: criteria provided, single submitter. Criteria: Invitae Variant Classification Sherloc (09022015). Collection method: clinical testing. Allele origin: germline.
Comment: This sequence change creates a premature translational stop signal (p.Lys97Argfs*102) in the SH3BP2 gene. It is expected to result in an absent or disrupted protein product. However, the current clinical and genetic evidence is not sufficient to establish whether loss-of-function variants in SH3BP2 cause disease. This variant is not present in population databases (gnomAD no frequency). This variant has not been reported in the literature in individuals affected with SH3BP2-related conditions. Algorithms developed to predict the effect of sequence changes on RNA splicing suggest that this variant may disrupt the consensus splice site. In summary, the available evidence is currently insufficient to determine the role of this variant in disease. Therefore, it has been classified as a Variant of Uncertain Significance.

NM_001122681.2(SH3BP2):c.290del (p.Lys97fs)

Gene: SH3BP2 (SH3 domain binding protein 2; plus strand). Cytogenetic location: 4p16.3.
Variant type: Deletion.
Coding change: c.290del on transcript NM_001122681.2 (MANE Select); coding-DNA position 290, one base deleted (A; older notation c.290delA).
Protein change: p.Lys97fs; shifts the reading frame from lysine 97.
Molecular consequence: frameshift variant.
Genome position (GRCh38, 1-based): chr4:2,824,663, A deleted; the last of 2 consecutive A bases (chr4:2,824,662-2,824,663); deleting either gives the same sequence. VCF-style (leftmost placement, unchanged base first): chr4-2824661-CA-C. GRCh37 (hg19) VCF-style: chr4-2826388-CA-C.
Other names: c.374del, p.Lys125fs (NM_001145855.2); c.461del, p.Lys154fs (NM_001145856.2); c.290del, p.Lys97fs (NM_003023.4); short protein forms K125fs, K154fs, K97fs.
Identifiers: ClinVar variation 3724782 (VCV003724782.2).